The following is an entry in ClinVar:

NM_001395656.1(ROBO2):c.3724G>A (p.Asp1242Asn)

Gene: ROBO2 (roundabout guidance receptor 2; plus strand). Cytogenetic location: 3p12.3.
Variant type: single nucleotide variant.
Coding change: c.3724G>A on transcript NM_001395656.1 (MANE Select); coding-DNA position 3724, G replaced by A.
Protein change: p.Asp1242Asn; replaces aspartic acid 1242 with asparagine.
Molecular consequence: missense variant.
Genome position (GRCh38, 1-based): chr3:77,622,384, G>A. VCF-style: chr3-77622384-G-A. GRCh37 (hg19) VCF-style: chr3-77671535-G-A.
Other names: c.3760G>A, p.Asp1254Asn (NM_001128929.3); c.3724G>A, p.Asp1242Asn (NM_001290039.2, NM_001290040.2); c.1933G>A, p.Asp645Asn (NM_001290065.2); c.3772G>A, p.Asp1258Asn (NM_001378190.1, NM_001378200.1, NM_001378201.1 and 1 more transcripts); c.3898G>A, p.Asp1300Asn (NM_001378191.1, NM_001378195.1, NM_001378196.1); c.3793G>A, p.Asp1265Asn (NM_001378192.1, NM_001378198.1, NM_001378199.1); c.3712G>A, p.Asp1238Asn (NM_001378193.1, NM_002942.5); c.3910G>A, p.Asp1304Asn (NM_001378194.1); and 5 more; short protein forms D1238N, D1239N, D1242N, D1254N, D1258N, D1265N, D1280N, D1300N.
Identifiers: ClinVar variation 995968 (VCV000995968.2), dbSNP rs1333751060, ClinGen allele CA353532438.

ClinVar aggregate classification (germline): Uncertain significance (1 of 4 stars; one submission).

Conditions:
Congenital anomaly of kidney and urinary tract. Also called: Congenital anomalies of the kidney and urinary tract; Congenital anomalies of kidney and urinary tract. Identifiers: Orphanet 93545, MedGen C1968949, MeSH C566906, MONDO:0019719.

Allele frequency attached by ClinVar (database versions not stated): TOPMed below 0.00001; gnomAD 0.00001.
gnomAD v4.1: 2 of 1,613,908 alleles (0.00012%); highest among the groups gnomAD compares: Non-Finnish European, 0.00017%; no homozygotes.

Submission:

Institute of Human Genetics, University of Leipzig Medical Center
Classification: Uncertain significance for Congenital anomaly of kidney and urinary tract. Last evaluated: 2021-01-09. Review status: criteria provided, single submitter. Criteria: ACMG Guidelines, 2015. Collection method: curation. Allele origin: germline. Inheritance: Autosomal dominant inheritance. Affected: yes.
Comment: This ROBO2 variant was reported as Likely pathogenicâ€‹ in PMID: 24429398 with original nomenclature reported as c.3712G>A, p.D1238N. Variant was re-classified as Uncertain Significance based on the criteria PM2_Supporting.

Literature cited by the submitters: PubMed 24429398.